The following is an entry in ClinVar:

ClinVar aggregate classification (germline): Conflicting classifications of pathogenicity. Review status: criteria provided, conflicting classifications (1 of 4 stars). 2 submissions from 2 submitters: Uncertain significance (1); Likely benign (1). Last evaluated 2025-04-21.

Conditions:
Bethlem myopathy 1A. Also called: MYOPATHY, BENIGN CONGENITAL, WITH CONTRACTURES; Bethlem Muscular Dystrophy; Bethlem myopathy 1. Identifiers: Orphanet 610, MedGen CN029274, MONDO:0024530, OMIM 158810.

Allele frequency attached by ClinVar (database versions not stated): gnomAD 0.00002 and 0.00003; gnomAD exomes 0.00002 and 0.00004; TOPMed 0.00002; ExAC 0.00003.
gnomAD v4.1: 36 of 1,611,750 alleles (0.0022%); highest among the groups gnomAD compares: South Asian, 0.0055%; no homozygotes.

Submissions (2):

Labcorp Genetics (formerly Invitae), Labcorp
Classification: Uncertain significance for Bethlem myopathy 1A. Last evaluated: 2025-04-21. Review status: criteria provided, single submitter. Criteria: Invitae Variant Classification Sherloc (09022015). Collection method: clinical testing. Allele origin: germline.
Comment: This sequence change falls in intron 8 of the COL6A3 gene. It does not directly change the encoded amino acid sequence of the COL6A3 protein. It affects a nucleotide within the consensus splice site. This variant is present in population databases (rs774411894, gnomAD 0.01%). This variant has not been reported in the literature in individuals affected with COL6A3-related conditions. ClinVar contains an entry for this variant (Variation ID: 851414). Variants that disrupt the consensus splice site are a relatively common cause of aberrant splicing (PMID: 17576681, 9536098). Algorithms developed to predict the effect of sequence changes on RNA splicing suggest that this variant is not likely to affect RNA splicing. In summary, the available evidence is currently insufficient to determine the role of this variant in disease. Therefore, it has been classified as a Variant of Uncertain Significance.

Blueprint Genetics
Classification: Likely benign. Last evaluated: 2024-08-14. Review status: criteria provided, single submitter. Criteria: ACMG Guidelines, 2015. Collection method: clinical testing. Allele origin: germline.

Literature cited by the submitters: PubMed 17576681 (cited by Labcorp Genetics (formerly Invitae), Labcorp); PubMed 9536098 (cited by Labcorp Genetics (formerly Invitae), Labcorp).

NM_004369.4(COL6A3):c.3679+4C>T

Gene: COL6A3 (collagen type VI alpha 3 chain; minus strand). Cytogenetic location: 2q37.3.
Variant type: single nucleotide variant.
Coding change: c.3679+4C>T on transcript NM_004369.4 (MANE Select); 4 bases into the intron after coding-DNA position 3679, C replaced by T.
Molecular consequence: intron variant.
Genome position (GRCh38, 1-based): chr2:237,374,408, G>A on the plus strand (C>T on the coding strand, the complement: COL6A3 is on the minus strand). VCF-style: chr2-237374408-G-A. GRCh37 (hg19) VCF-style: chr2-238283051-G-A.
Other names: c.1858+4C>T (NM_057166.5); c.3061+4C>T (NM_057167.4, NM_057165.5); c.2458+4C>T (NM_057164.5).
Identifiers: ClinVar variation 851414 (VCV000851414.9), dbSNP rs774411894, ClinGen allele CA2189118.